The following is an entry in ClinVar:

ClinVar aggregate classification (germline): Conflicting classifications of pathogenicity. Review status: criteria provided, conflicting classifications (1 of 4 stars). 4 submissions from 4 submitters: Uncertain significance (2); Likely benign (2). Last evaluated 2026-01-05.

Conditions:
Inborn genetic diseases. Identifiers: MedGen C0950123, MeSH D030342.

Allele frequency attached by ClinVar (database versions not stated): gnomAD exomes below 0.00001; TOPMed below 0.00001.
gnomAD v4.1: 6 of 1,613,760 alleles (0.00037%); highest among the groups gnomAD compares: Non-Finnish European, 0.00042%; no homozygotes.

Submissions (4):

Labcorp Genetics (formerly Invitae), Labcorp
Classification: Uncertain significance. Last evaluated: 2026-01-05. Review status: criteria provided, single submitter. Criteria: Invitae Variant Classification Sherloc (09022015). Collection method: clinical testing. Allele origin: germline.
Comment: This sequence change replaces isoleucine, which is neutral and non-polar, with valine, which is neutral and non-polar, at codon 57 of the LRP5 protein (p.Ile57Val). This variant is not present in population databases (gnomAD no frequency). This variant has not been reported in the literature in individuals affected with LRP5-related conditions. ClinVar contains an entry for this variant (Variation ID: 2691337). Invitae Evidence Modeling of protein sequence and biophysical properties (such as structural, functional, and spatial information, amino acid conservation, physicochemical variation, residue mobility, and thermodynamic stability) indicates that this missense variant is not expected to disrupt LRP5 protein function with a negative predictive value of 95%. In summary, the available evidence is currently insufficient to determine the role of this variant in disease. Therefore, it has been classified as a Variant of Uncertain Significance.

CeGaT Center for Human Genetics Tuebingen
Classification: Likely benign. Last evaluated: 2026-01-01. Review status: criteria provided, single submitter. Criteria: CeGaT Center For Human Genetics Tuebingen Variant Classification Criteria Version 2. Collection method: clinical testing. Allele origin: germline. Affected: yes. Observed: 1 variant allele.
Comment: LRP5: BP4

Ambry Genetics
Classification: Likely benign for Inborn genetic diseases. Last evaluated: 2025-08-21. Review status: criteria provided, single submitter. Criteria: Ambry Variant Classification Scheme 2023. Collection method: clinical testing. Allele origin: germline.

Women's Health and Genetics/Laboratory Corporation of America, LabCorp
Classification: Uncertain significance. Last evaluated: 2023-12-19. Review status: criteria provided, single submitter. Criteria: LabCorp Variant Classification Summary - May 2015. Collection method: clinical testing. Allele origin: germline.
Comment: Variant summary: LRP5 c.169A>G (p.Ile57Val) results in a conservative amino acid change in the encoded protein sequence. Five of five in-silico tools predict a benign effect of the variant on protein function. The variant was absent in 250636 control chromosomes. The available data on variant occurrences in the general population are insufficient to allow any conclusion about variant significance. To our knowledge, no occurrence of c.169A>G in individuals affected with Familial Exudative Vitreoretinopathy and no experimental evidence demonstrating its impact on protein function have been reported. No submitters have cited clinical-significance assessments for this variant to ClinVar after 2014. Based on the evidence outlined above, the variant was classified as uncertain significance.

NM_002335.4(LRP5):c.169A>G (p.Ile57Val)

Gene: LRP5 (LDL receptor related protein 5; plus strand). Cytogenetic location: 11q13.2.
Variant type: single nucleotide variant.
Coding change: c.169A>G on transcript NM_002335.4 (MANE Select); coding-DNA position 169, A replaced by G.
Protein change: p.Ile57Val; replaces isoleucine 57 with valine.
Molecular consequence: missense variant. On other transcripts: 5 prime UTR variant (1).
Genome position (GRCh38, 1-based): chr11:68,347,924, A>G. VCF-style: chr11-68347924-A-G. GRCh37 (hg19) VCF-style: chr11-68115392-A-G.
Other names: c.169A>G (NM_002335.2); c.-1597A>G (NM_001291902.2); short protein forms I57V.
Identifiers: ClinVar variation 2691337 (VCV002691337.7), dbSNP rs1029914579, ClinGen allele CA224270994.